The following is an entry in ClinVar:

ClinVar aggregate classification (germline): Benign. Review status: criteria provided, multiple submitters, no conflicts (2 of 4 stars). 2 submissions from 2 submitters: Benign (2). Last evaluated 2019-08-22.

Allele frequency attached by ClinVar (database versions not stated): 1000 Genomes Project 0.60503; 1000 Genomes Project 30x 0.61290; gnomAD 0.69322 and 0.69643; TOPMed 0.69322; gnomAD exomes 0.71160 and 0.72043; ExAC 0.73166; ESP Exome Variant Server 0.74974.
gnomAD v4.1: 1,114,896 of 1,555,404 alleles (72%); highest among the groups gnomAD compares: Admixed American, 80%; 403,114 homozygotes.

Submissions (2):

GeneDx
Classification: Benign. Last evaluated: 2019-08-22. Review status: criteria provided, single submitter. Criteria: GeneDx Variant Classification Process June 2021. Collection method: clinical testing. Allele origin: germline. Affected: yes.
Comment: This variant is associated with the following publications: (PMID: 30917570)

Breakthrough Genomics
Classification: Benign. Review status: criteria provided, single submitter. Criteria: ACMG Guidelines, 2015. Collection method: not provided. Allele origin: germline. Inheritance: Autosomal dominant inheritance. Affected: yes.

NM_019112.4(ABCA7):c.6133G>T (p.Ala2045Ser)

Gene: ABCA7 (ATP binding cassette subfamily A member 7; plus strand). Cytogenetic location: 19p13.3.
Variant type: single nucleotide variant.
Coding change: c.6133G>T on transcript NM_019112.4 (MANE Select); coding-DNA position 6133, G replaced by T.
Protein change: p.Ala2045Ser; replaces alanine 2045 with serine.
Molecular consequence: missense variant.
Genome position (GRCh38, 1-based): chr19:1,065,019, G>T. VCF-style: chr19-1065019-G-T. GRCh37 (hg19) VCF-style: chr19-1065018-G-T.
Other names: short protein forms A2045S.
Identifiers: ClinVar variation 1269149 (VCV001269149.2), dbSNP rs4147934, ClinGen allele CA9035115.